The following is an entry in ClinVar:

ClinVar aggregate classification (germline): Likely benign (1 of 4 stars; one submission).

Conditions:
Nemaline myopathy 6 (NEM6). Also called: Nemaline myopathy 6, autosomal dominant. Identifiers: Orphanet 171439, MedGen C1836472, MONDO:0012237, OMIM 609273.

Allele frequency attached by ClinVar (database versions not stated): gnomAD exomes below 0.00001.

Submission:

Labcorp Genetics (formerly Invitae), Labcorp
Classification: Likely benign for Nemaline myopathy 6. Last evaluated: 2023-07-10. Review status: criteria provided, single submitter. Criteria: Invitae Variant Classification Sherloc (09022015). Collection method: clinical testing. Allele origin: germline.

NM_001101362.3(KBTBD13):c.391G>A (p.Asp131Asn)

Gene: KBTBD13 (kelch repeat and BTB domain containing 13; plus strand). Cytogenetic location: 15q22.31.
Variant type: single nucleotide variant.
Coding change: c.391G>A on transcript NM_001101362.3 (MANE Select); coding-DNA position 391, G replaced by A.
Protein change: p.Asp131Asn; replaces aspartic acid 131 with asparagine.
Molecular consequence: missense variant.
Genome position (GRCh38, 1-based): chr15:65,077,206, G>A. VCF-style: chr15-65077206-G-A. GRCh37 (hg19) VCF-style: chr15-65369544-G-A.
Other names: c.391G>A (NM_001101362.2); short protein forms D131N.
Identifiers: ClinVar variation 1137689 (VCV001137689.10), dbSNP rs1244704984, ClinGen allele CA392860395.